The following is an entry in ClinVar:

NM_007194.4(CHEK2):c.1058T>A (p.Val353Asp)

Gene: CHEK2 (checkpoint kinase 2; minus strand). Cytogenetic location: 22q12.1.
Variant type: single nucleotide variant.
Coding change: c.1058T>A on transcript NM_007194.4 (MANE Select); coding-DNA position 1058, T replaced by A.
Protein change: p.Val353Asp; replaces valine 353 with aspartic acid.
Molecular consequence: missense variant. On other transcripts: intron variant (3).
Genome position (GRCh38, 1-based): chr22:28,696,938, A>T on the plus strand (T>A on the coding strand, the complement: CHEK2 is on the minus strand). VCF-style: chr22-28696938-A-T. GRCh37 (hg19) VCF-style: chr22-29092926-A-T.
Other names: c.1187T>A, p.Val396Asp (NM_001005735.3); c.395T>A, p.Val132Asp (NM_001257387.3, NM_001437942.1); c.857T>A, p.Val286Asp (NM_001349956.3); c.1151T>A, p.Val384Asp (NM_001438293.1); c.1009-1065T>A (NM_145862.3); c.1102-1065T>A (NM_001438295.1); c.1138-1065T>A (NM_001438294.1); short protein forms V353D, V132D, V286D, V396D, V384D.
Identifiers: ClinVar variation 955269 (VCV000955269.10), dbSNP rs758434121, ClinGen allele CA411097620.

ClinVar aggregate classification (germline): Uncertain significance (1 of 4 stars; one submission).

Conditions:
Familial cancer of breast. Also called: hereditary breast carcinoma; Hereditary breast cancer; BREAST CANCER, FAMILIAL. Identifiers: Orphanet 227535, MedGen C0346153, MONDO:0016419, OMIM 114480. Disease mechanism: loss of function.

gnomAD v4.1: 1 of 1,613,596 alleles (0.000062%); highest among the groups gnomAD compares: Non-Finnish European, 0.000085%; no homozygotes.

Submission:

Labcorp Genetics (formerly Invitae), Labcorp
Classification: Uncertain significance for Familial cancer of breast. Last evaluated: 2019-09-19. Review status: criteria provided, single submitter. Criteria: Invitae Variant Classification Sherloc (09022015). Collection method: clinical testing. Allele origin: germline.
Comment: In summary, the available evidence is currently insufficient to determine the role of this variant in disease. Therefore, it has been classified as a Variant of Uncertain Significance. Algorithms developed to predict the effect of missense changes on protein structure and function are either unavailable or do not agree on the potential impact of this missense change (SIFT: "Deleterious"; PolyPhen-2: "Probably Damaging"; Align-GVGD: "Class C15"). This variant has not been reported in the literature in individuals with CHEK2-related conditions. This variant is not present in population databases (ExAC no frequency). This sequence change replaces valine with aspartic acid at codon 353 of the CHEK2 protein (p.Val353Asp). The valine residue is highly conserved and there is a large physicochemical difference between valine and aspartic acid.